The following is an entry in ClinVar:

NM_001367823.1(ARHGEF18):c.2665_2666inv (p.Gln889Trp)

Gene: ARHGEF18 (Rho/Rac guanine nucleotide exchange factor 18; plus strand). Cytogenetic location: 19p13.2.
Variant type: Inversion.
Coding change: c.2665_2666inv on transcript NM_001367823.1 (MANE Select).
Protein change: p.Gln889Trp; replaces glutamine 889 with tryptophan.
Molecular consequence: missense variant.
Genome position: GRCh38 VCF-style: chr19-7463847-CA-TG. GRCh37 (hg19) VCF-style: chr19-7528733-CA-TG.
Other names: c.1939_1940inv, p.Gln647Trp (NM_001130955.2); c.1627_1628inv, p.Gln543Trp (NM_001367824.1, NM_015318.4); short protein forms Q543W, Q889W, Q647W.
Identifiers: ClinVar variation 842761 (VCV000842761.10), ClinGen allele CA916083672.

ClinVar aggregate classification (germline): Uncertain significance. Review status: criteria provided, multiple submitters, no conflicts (2 of 4 stars). 2 submissions from 2 submitters: Uncertain significance (2). Last evaluated 2024-11-11.

Submissions (2):

Labcorp Genetics (formerly Invitae), Labcorp
Classification: Uncertain significance. Last evaluated: 2024-11-11. Review status: criteria provided, single submitter. Criteria: Invitae Variant Classification Sherloc (09022015). Collection method: clinical testing. Allele origin: germline.
Comment: This sequence change replaces glutamine, which is neutral and polar, with tryptophan, which is neutral and slightly polar, at codon 701 of the ARHGEF18 protein (p.Gln701Trp). This variant is present in population databases (no rsID available, gnomAD 0.006%). This variant has not been reported in the literature in individuals affected with ARHGEF18-related conditions. ClinVar contains an entry for this variant (Variation ID: 842761). An algorithm developed to predict the effect of missense changes on protein structure and function (PolyPhen-2) suggests that this variant is likely to be disruptive. In summary, the available evidence is currently insufficient to determine the role of this variant in disease. Therefore, it has been classified as a Variant of Uncertain Significance.

Blueprint Genetics
Classification: Uncertain significance. Last evaluated: 2021-09-25. Review status: criteria provided, single submitter. Criteria: ACMG Guidelines, 2015. Collection method: clinical testing. Allele origin: germline.